The following is an entry in ClinVar:

NM_015488.5(PNKD):c.1074G>A (p.Pro358=)

Genes: CATIP-AS2 (CATIP antisense RNA 2; minus strand), PNKD (PNKD metallo-beta-lactamase domain containing; plus strand). Cytogenetic location: 2q35.
Variant type: single nucleotide variant.
Coding change: c.1074G>A on transcript NM_015488.5 (MANE Select); coding-DNA position 1074, G replaced by A.
Protein change: p.Pro358=; no amino-acid change (proline 358 retained).
Molecular consequence: synonymous variant.
Genome position (GRCh38, 1-based): chr2:218,344,897, G>A. VCF-style: chr2-218344897-G-A. GRCh37 (hg19) VCF-style: chr2-219209620-G-A.
Other names: c.1002G>A, p.Pro334= (NM_022572.5).
Identifiers: ClinVar variation 700989 (VCV000700989.12), dbSNP rs148953301, ClinGen allele CA2104200.

ClinVar aggregate classification (germline): Likely benign. Review status: criteria provided, multiple submitters, no conflicts (2 of 4 stars). 3 submissions from 3 submitters: Likely benign (3). Last evaluated 2026-01-19.

Conditions:
Paroxysmal nonkinesigenic dyskinesia. Also called: Paroxysmal non-kinesigenic dyskinesia. Identifiers: Orphanet 98810, MedGen C1869117, MONDO:0700088.

Allele frequency attached by ClinVar (database versions not stated): gnomAD 0.00001 and 0.00003; TOPMed 0.00001; gnomAD exomes 0.00005 and 0.00008; ESP Exome Variant Server 0.00008; ExAC 0.00010; 1000 Genomes Project 0.00020; 1000 Genomes Project 30x 0.00031.
gnomAD v4.1: 79 of 1,613,396 alleles (0.0049%); highest among the groups gnomAD compares: South Asian, 0.041%; no homozygotes.

Submissions (3):

Labcorp Genetics (formerly Invitae), Labcorp
Classification: Likely benign for Paroxysmal nonkinesigenic dyskinesia. Last evaluated: 2026-01-19. Review status: criteria provided, single submitter. Criteria: Invitae Variant Classification Sherloc (09022015). Collection method: clinical testing. Allele origin: germline.

Women's Health and Genetics/Laboratory Corporation of America, LabCorp
Classification: Likely benign. Last evaluated: 2023-10-24. Review status: criteria provided, single submitter. Criteria: LabCorp Variant Classification Summary - May 2015. Collection method: clinical testing. Allele origin: germline.
Comment: Variant summary: PNKD c.1074G>A alters a non-conserved nucleotide resulting in a synonymous change. Consensus agreement among computation tools predict no significant impact on normal splicing. However, these predictions have yet to be confirmed by functional studies. The variant allele was found at a frequency of 8e-05 in 249310 control chromosomes (gnomAD). To our knowledge, no occurrence of c.1074G>A in individuals affected with Paroxysmal Nonkinesigenic Dyskinesia 1 and no experimental evidence demonstrating its impact on protein function have been reported. One submitter has cited clinical-significance assessments for this variant to ClinVar after 2014 and has classified the variant as likely benign. Based on the evidence outlined above, the variant was classified as likely benign.

Blueprint Genetics
Classification: Likely benign. Last evaluated: 2023-08-02. Review status: criteria provided, single submitter. Criteria: ACMG Guidelines, 2015. Collection method: clinical testing. Allele origin: germline.